The following is an entry in ClinVar:

NM_007315.4(STAT1):c.-140G>C

Genes: STAT1 (signal transducer and activator of transcription 1; minus strand), LOC129935277 (ATAC-STARR-seq lymphoblastoid active region 16873; plus strand). Cytogenetic location: 2q32.2.
Variant type: single nucleotide variant.
Coding change: c.-140G>C on transcript NM_007315.4 (MANE Select); 140 bases upstream of the start codon, G replaced by C.
Molecular consequence: 5 prime UTR variant.
Genome position (GRCh38, 1-based): chr2:191,013,663, C>G on the plus strand (G>C on the coding strand, the complement: STAT1 is on the minus strand). VCF-style: chr2-191013663-C-G. GRCh37 (hg19) VCF-style: chr2-191878389-C-G.
Other names: c.-140G>C (NM_001384880.1, NM_001384882.1, NM_001384883.1 and 8 more transcripts); c.-217G>C (NM_001384881.1, NM_001384884.1).
Identifiers: ClinVar variation 333294 (VCV000333294.5), dbSNP rs118149197, ClinGen allele CA10613628.

ClinVar aggregate classification (germline): Benign (1 of 4 stars; one submission).

Conditions:
Mendelian susceptibility to mycobacterial diseases due to partial STAT1 deficiency. Also called: IMMUNODEFICIENCY 31A, MYCOBACTERIOSIS, AUTOSOMAL DOMINANT; STAT1 DEFICIENCY, AUTOSOMAL DOMINANT; Immunodeficiency 31a. Identifiers: Orphanet 319595, MedGen C4013950, MONDO:0013956, OMIM 614892.

Allele frequency attached by ClinVar (database versions not stated): gnomAD exomes 0.00117; 1000 Genomes Project 0.00519; gnomAD 0.00122 and 0.00146; TOPMed 0.00164; 1000 Genomes Project 30x 0.00484.
gnomAD v4.1: 556 of 398,676 alleles (0.14%); highest among the groups gnomAD compares: East Asian, 1.2%; 3 homozygotes.

Submission:

Illumina Laboratory Services, Illumina
Classification: Benign for Mendelian susceptibility to mycobacterial diseases due to partial STAT1 deficiency. Last evaluated: 2018-01-12. Review status: criteria provided, single submitter. Criteria: ICSL Variant Classification Criteria 13 December 2019. Collection method: clinical testing. Allele origin: germline.
Comment: This variant was observed in the ICSL laboratory as part of a predisposition screen in an ostensibly healthy population. It had not been previously curated by ICSL or reported in the Human Gene Mutation Database (HGMD: prior to June 1st, 2018), and was therefore a candidate for classification through an automated scoring system. Utilizing variant allele frequency, disease prevalence and penetrance estimates, and inheritance mode, an automated score was calculated to assess if this variant is too frequent to cause the disease. Based on the score and internal cut-off values, a variant classified as benign is not then subjected to further curation. The score for this variant resulted in a classification of benign for this disease.